The following is an entry in ClinVar:

NM_001039960.3(SLC4A8):c.2172+4881C>T

Gene: SLC4A8 (solute carrier family 4 member 8; plus strand). Cytogenetic location: 12q13.13.
Variant type: single nucleotide variant.
Coding change: c.2172+4881C>T on transcript NM_001039960.3 (MANE Select); 4881 bases into the intron after coding-DNA position 2172, C replaced by T.
Molecular consequence: intron variant. On other transcripts: synonymous variant (2).
Genome position (GRCh38, 1-based): chr12:51,480,087, C>T. VCF-style: chr12-51480087-C-T. GRCh37 (hg19) VCF-style: chr12-51873871-C-T.
Other names: c.2109C>T, p.His703= (NM_001258403.2, NM_001405266.1); c.2136+4881C>T (NM_001405270.1); c.2013+4881C>T (NM_001258401.3); c.2172+4881C>T (NM_001405268.1).
Identifiers: ClinVar variation 3770887 (VCV003770887.13).

ClinVar aggregate classification (germline): Likely benign (1 of 4 stars; one submission).

gnomAD v4.1: 30 of 369,888 alleles (0.0081%); highest among the groups gnomAD compares: Non-Finnish European, 0.013%; no homozygotes.

Submission:

CeGaT Center for Human Genetics Tuebingen
Classification: Likely benign. Last evaluated: 2025-02-01. Review status: criteria provided, single submitter. Criteria: CeGaT Center For Human Genetics Tuebingen Variant Classification Criteria Version 2. Collection method: clinical testing. Allele origin: germline. Affected: yes. Observed: 1 variant allele.
Comment: SLC4A8: BP4, BP7